The following is an entry in ClinVar:

ClinVar aggregate classification (germline): Uncertain significance (0 of 4 stars; one submission).

Conditions:
SYNE1-related disorder. Also called: SYNE1-related disease; SYNE1-related condition; SYNE1-related disorders.

Submission:

PreventionGenetics, part of Exact Sciences
Classification: Uncertain significance for SYNE1-related condition. Last evaluated: 2024-05-20. Review status: no assertion criteria provided. Collection method: clinical testing. Allele origin: germline.
Comment: The SYNE1 c.23675A>C variant is predicted to result in the amino acid substitution p.Asp7892Ala. To our knowledge, this variant has not been reported in the literature or in a large population database, indicating this variant is rare. At this time, the clinical significance of this variant is uncertain due to the absence of conclusive functional and genetic evidence.

NM_182961.4(SYNE1):c.23888A>C (p.Asp7963Ala)

Gene: SYNE1 (spectrin repeat containing nuclear envelope protein 1; minus strand). Cytogenetic location: 6q25.2.
Variant type: single nucleotide variant.
Coding change: c.23888A>C on transcript NM_182961.4 (MANE Select); coding-DNA position 23888, A replaced by C.
Protein change: p.Asp7963Ala; replaces aspartic acid 7963 with alanine.
Molecular consequence: missense variant.
Genome position (GRCh38, 1-based): chr6:152,156,000, T>G on the plus strand (A>C on the coding strand, the complement: SYNE1 is on the minus strand). VCF-style: chr6-152156000-T-G. GRCh37 (hg19) VCF-style: chr6-152477135-T-G.
Other names: c.494A>C, p.Asp165Ala (NM_001347701.2); c.353A>C, p.Asp118Ala (NM_001347702.2); c.23675A>C, p.Asp7892Ala (NM_033071.5); short protein forms D118A, D165A, D7892A, D7963A.
Identifiers: ClinVar variation 3347658 (VCV003347658.1).